The following is an entry in ClinVar:

ClinVar aggregate classification (germline): Uncertain significance (1 of 4 stars; one submission).

Submission:

GeneDx
Classification: Uncertain significance. Last evaluated: 2024-08-07. Review status: criteria provided, single submitter. Criteria: GeneDx Variant Classification Process June 2021. Collection method: clinical testing. Allele origin: germline. Affected: yes.
Comment: Nonsense variant predicted to result in protein truncation as the last amino acid is lost, and loss-of-function variants have not been reported downstream of this position in the protein; Not observed at significant frequency in large population cohorts (gnomAD); Has not been previously published as pathogenic or benign to our knowledge

NM_005333.5(HCCS):c.803C>A (p.Ser268Ter)

Gene: HCCS (holocytochrome c synthase; plus strand). Cytogenetic location: Xp22.2.
Variant type: single nucleotide variant.
Coding change: c.803C>A on transcript NM_005333.5 (MANE Select); coding-DNA position 803, C replaced by A.
Protein change: p.Ser268Ter; replaces serine 268 with a stop codon.
Molecular consequence: nonsense.
Genome position (GRCh38, 1-based): chrX:11,121,806, C>A. VCF-style: chrX-11121806-C-A. GRCh37 (hg19) VCF-style: chrX-11139926-C-A.
Other names: c.803C>A, p.Ser268Ter (NM_001122608.3, NM_001171991.3); short protein forms S268*.
Identifiers: ClinVar variation 3602863 (VCV003602863.1).
Genomic context (GRCh38, chrX:11,121,806, plus strand): 5'-CCTTAGATTCACTTTCGGCAGTATGGGACAGAATGAAAGTCGCTTGGTGGCGTTGGACCT[C>A]GTAAAGCACTGTTTCAGATGGAAAAATATAAACTATTTTTTTCTGAGCGATACATTAAAC-3'